The following is an entry in ClinVar:

NM_006005.3(WFS1):c.1850G>A (p.Ser617Asn)

Gene: WFS1 (wolframin ER transmembrane glycoprotein; plus strand). Cytogenetic location: 4p16.1.
Variant type: single nucleotide variant.
Coding change: c.1850G>A on transcript NM_006005.3 (MANE Select); coding-DNA position 1850, G replaced by A.
Protein change: p.Ser617Asn; replaces serine 617 with asparagine.
Molecular consequence: missense variant.
Genome position (GRCh38, 1-based): chr4:6,301,645, G>A. VCF-style: chr4-6301645-G-A. GRCh37 (hg19) VCF-style: chr4-6303372-G-A.
Other names: c.1850G>A, p.Ser617Asn (NM_001145853.1); short protein forms S617N.
Identifiers: ClinVar variation 4806829 (VCV004806829.1).

ClinVar aggregate classification (germline): Uncertain significance (1 of 4 stars; one submission).

gnomAD v4.1: 1 of 1,614,112 alleles (0.000062%); highest among the groups gnomAD compares: African/African-American, 0.0013%; no homozygotes.

Submission:

Labcorp Genetics (formerly Invitae), Labcorp
Classification: Uncertain significance. Last evaluated: 2025-11-21. Review status: criteria provided, single submitter. Criteria: Invitae Variant Classification Sherloc (09022015). Collection method: clinical testing. Allele origin: germline.
Comment: This sequence change replaces serine, which is neutral and polar, with asparagine, which is neutral and polar, at codon 617 of the WFS1 protein (p.Ser617Asn). This variant is not present in population databases (gnomAD no frequency). This variant has not been reported in the literature in individuals affected with WFS1-related conditions. Invitae Evidence Modeling of protein sequence and biophysical properties (such as structural, functional, and spatial information, amino acid conservation, physicochemical variation, residue mobility, and thermodynamic stability) indicates that this missense variant is not expected to disrupt WFS1 protein function with a negative predictive value of 80%. In summary, the available evidence is currently insufficient to determine the role of this variant in disease. Therefore, it has been classified as a Variant of Uncertain Significance.